The following is an entry in ClinVar:

NM_014845.6(FIG4):c.911T>C (p.Ile304Thr)

Gene: FIG4 (FIG4 phosphoinositide 5-phosphatase; plus strand). Cytogenetic location: 6q21.
Variant type: single nucleotide variant.
Coding change: c.911T>C on transcript NM_014845.6 (MANE Select); coding-DNA position 911, T replaced by C.
Protein change: p.Ile304Thr; replaces isoleucine 304 with threonine.
Molecular consequence: missense variant.
Genome position (GRCh38, 1-based): chr6:109,743,144, T>C. VCF-style: chr6-109743144-T-C. GRCh37 (hg19) VCF-style: chr6-110064347-T-C.
Other names: short protein forms I304T.
Identifiers: ClinVar variation 1969141 (VCV001969141.5), dbSNP rs372497846, ClinGen allele CA3955941.

ClinVar aggregate classification (germline): Uncertain significance (1 of 4 stars; one submission).

Conditions:
Charcot-Marie-Tooth disease type 4. Also called: Charcot-Marie-Tooth disease, type IV; Charcot-Marie-Tooth, Type 4. Identifiers: Orphanet 64749, MedGen C4082197, MONDO:0018995.

Allele frequency attached by ClinVar (database versions not stated): TOPMed below 0.00001; ExAC 0.00001; ESP Exome Variant Server 0.00008.

Submission:

Labcorp Genetics (formerly Invitae), Labcorp
Classification: Uncertain significance for Charcot-Marie-Tooth disease type 4. Last evaluated: 2021-12-17. Review status: criteria provided, single submitter. Criteria: Invitae Variant Classification Sherloc (09022015). Collection method: clinical testing. Allele origin: germline.
Comment: This sequence change replaces isoleucine, which is neutral and non-polar, with threonine, which is neutral and polar, at codon 304 of the FIG4 protein (p.Ile304Thr). This variant is present in population databases (rs372497846, gnomAD 0.007%). This variant has not been reported in the literature in individuals affected with FIG4-related conditions. Algorithms developed to predict the effect of missense changes on protein structure and function are either unavailable or do not agree on the potential impact of this missense change (SIFT: "Deleterious"; PolyPhen-2: "Probably Damaging"; Align-GVGD: "Class C0"). In summary, the available evidence is currently insufficient to determine the role of this variant in disease. Therefore, it has been classified as a Variant of Uncertain Significance.